The following is an entry in ClinVar:

ClinVar aggregate classification (germline): Likely benign. Review status: criteria provided, multiple submitters, no conflicts (2 of 4 stars). 2 submissions from 2 submitters: Likely benign (2). Last evaluated 2025-07-02.

Conditions:
Fanconi anemia complementation group J. Also called: BRIP1-Related Fanconi Anemia. Identifiers: Orphanet 84, MedGen C1836860, MONDO:0012187, OMIM 609054.
Familial cancer of breast. Also called: hereditary breast carcinoma; Hereditary breast cancer; BREAST CANCER, FAMILIAL. Identifiers: Orphanet 227535, MedGen C0346153, MONDO:0016419, OMIM 114480. Disease mechanism: loss of function.

Submissions (2):

Labcorp Genetics (formerly Invitae), Labcorp
Classification: Likely benign for Familial cancer of breast; Fanconi anemia complementation group J. Last evaluated: 2025-07-02. Review status: criteria provided, single submitter. Criteria: Invitae Variant Classification Sherloc (09022015). Collection method: clinical testing. Allele origin: germline.

GeneDx
Classification: Likely benign. Last evaluated: 2016-05-20. Review status: criteria provided, single submitter. Criteria: GeneDx Variant Classification (06012015). Collection method: clinical testing. Allele origin: germline. Affected: yes.
Comment: This variant is considered likely benign or benign based on one or more of the following criteria: it is a conservative change, it occurs at a poorly conserved position in the protein, it is predicted to be benign by multiple in silico algorithms, and/or has population frequency not consistent with disease.

NM_032043.3(BRIP1):c.2258-7_2258-4del

Gene: BRIP1 (BRCA1 interacting DNA helicase 1; minus strand). Cytogenetic location: 17q23.2.
Variant type: Deletion.
Coding change: c.2258-7_2258-4del on transcript NM_032043.3 (MANE Select); 7 bases into the intron before coding-DNA position 2258 through 4 bases into the intron before coding-DNA position 2258, 4 bases deleted (GTTT; older notation c.2258-7_2258-4delGTTT).
Molecular consequence: intron variant.
Genome position (GRCh38, 1-based): chr17:61,743,138-61,743,141, AAAC deleted on the plus strand (GTTT on the coding strand, the reverse complement: BRIP1 is on the minus strand); deleting any 4 consecutive bases within chr17:61,743,138-61,743,143 gives the same sequence; the c. name uses the placement nearest the transcript's 3' end. VCF-style (leftmost placement, unchanged base first): chr17-61743137-TAAAC-T. GRCh37 (hg19) VCF-style: chr17-59820498-TAAAC-T.
Other names: c.2258-7_2258-4delGTTT (NM_032043.2).
Identifiers: ClinVar variation 421253 (VCV000421253.10), dbSNP rs1064795010, ClinGen allele CA16620521.
Genomic context (GRCh38, chr17:61,743,137, plus strand): 5'-GAGAAATCCAGACCCTCACTCACTTTACCACGACAAACTGCTACCAGGAGAGCTCCATCT[TAAAC>T]AACAGAAAAAAGCATATCCAAAATTCTCAGAAATTGCTTATTCTTGTCATTTTGAAAATA-3'